The following is an entry in ClinVar:

ClinVar aggregate classification (germline): Pathogenic (1 of 4 stars; one submission).

Conditions:
Bardet-Biedl syndrome (BBS). Identifiers: Orphanet 110, MedGen C0752166, MONDO:0015229.

Submission:

Labcorp Genetics (formerly Invitae), Labcorp
Classification: Pathogenic for Bardet-Biedl syndrome. Last evaluated: 2023-08-30. Review status: criteria provided, single submitter. Criteria: Invitae Variant Classification Sherloc (09022015). Collection method: clinical testing. Allele origin: germline.
Comment: This sequence change creates a premature translational stop signal (p.Val374Phefs*37) in the BBS4 gene. It is expected to result in an absent or disrupted protein product. Loss-of-function variants in BBS4 are known to be pathogenic (PMID: 11381270, 12016587, 20177705, 27894351). This variant is not present in population databases (gnomAD no frequency). For these reasons, this variant has been classified as Pathogenic. Algorithms developed to predict the effect of sequence changes on RNA splicing suggest that this variant may create or strengthen a splice site. ClinVar contains an entry for this variant (Variation ID: 961273). This variant has not been reported in the literature in individuals affected with BBS4-related conditions.

Literature cited by the submitters: PubMed 11381270; PubMed 12016587; PubMed 20177705; PubMed 27894351.

NM_033028.5(BBS4):c.1116_1119dup (p.Val374fs)

Gene: BBS4 (Bardet-Biedl syndrome 4; plus strand). Cytogenetic location: 15q24.1.
Variant type: Duplication.
Coding change: c.1116_1119dup on transcript NM_033028.5 (MANE Select); coding-DNA positions 1116 to 1119, 4 bases duplicated (TTTA; older notation c.1116_1119dupTTTA).
Protein change: p.Val374fs; shifts the reading frame from valine 374.
Molecular consequence: frameshift variant. On other transcripts: non-coding transcript variant (2).
Genome position (GRCh38, 1-based): chr15:72,735,834-72,735,837, TTTA duplicated. VCF-style (leftmost placement, unchanged base first): chr15-72735833-C-CTTTA. GRCh37 (hg19) VCF-style: chr15-73028174-C-CTTTA.
Other names: c.600_603dup, p.Val202fs (NM_001252678.2); c.1047_1050dup, p.Val351fs (NM_001320665.2); short protein forms V202fs, V351fs, V374fs.
Identifiers: ClinVar variation 961273 (VCV000961273.7), dbSNP rs2065911287, ClinGen allele CA1139664073.